The following is an entry in ClinVar:

NM_001198800.3(ASCC1):c.871+1G>A

Gene: ASCC1 (activating signal cointegrator 1 complex subunit 1; minus strand). Cytogenetic location: 10q22.1.
Variant type: single nucleotide variant.
Coding change: c.871+1G>A on transcript NM_001198800.3 (MANE Select); the canonical splice donor site of the intron after coding-DNA position 871, G replaced by A.
Molecular consequence: splice donor variant.
Genome position (GRCh38, 1-based): chr10:72,133,056, C>T on the plus strand (G>A on the coding strand, the complement: ASCC1 is on the minus strand). VCF-style: chr10-72133056-C-T. GRCh37 (hg19) VCF-style: chr10-73892814-C-T.
Other names: c.817+1G>A (NM_001369099.1); c.937+1G>A (NM_001369086.1, NM_001369085.1); c.751+1G>A (NM_001369112.1, NM_001369108.1, NM_001369103.1 and 3 more transcripts); c.871+1G>A (NM_001369110.1, NM_001369096.1, NM_001369090.1 and 12 more transcripts); c.955+1G>A (NM_001198799.3); c.754+1G>A (NM_001369105.1, NM_001369102.1, NM_001369106.1 and 2 more transcripts).
Identifiers: ClinVar variation 1252053 (VCV001252053.8), dbSNP rs763845791, ClinGen allele CA5548909.

ClinVar aggregate classification (germline): Pathogenic/Likely pathogenic. Review status: criteria provided, multiple submitters, no conflicts (2 of 4 stars). 3 submissions from 3 submitters: Pathogenic (1); Likely pathogenic (1). 1 of the submissions does not count toward it. Last evaluated 2025-09-09.

Conditions:
Spinal muscular atrophy with congenital bone fractures 2 (SMABF2). Identifiers: MedGen C4225176, MONDO:0014807, OMIM 616867.

Allele frequency attached by ClinVar (database versions not stated): gnomAD exomes below 0.00001; ExAC 0.00001; gnomAD 0.00001.
gnomAD v4.1: 2 of 1,614,004 alleles (0.00012%); highest among the groups gnomAD compares: Admixed American, 0.0033%; no homozygotes.

Submissions (3):

Labcorp Genetics (formerly Invitae), Labcorp
Classification: Likely pathogenic. Last evaluated: 2025-09-09. Review status: criteria provided, single submitter. Criteria: Invitae Variant Classification Sherloc (09022015). Collection method: clinical testing. Allele origin: germline.
Comment: This sequence change affects a donor splice site in intron 8 of the ASCC1 gene. It is expected to disrupt RNA splicing. Variants that disrupt the donor or acceptor splice site typically lead to a loss of protein function (PMID: 16199547), and loss-of-function variants in ASCC1 are known to be pathogenic (PMID: 30327447). This variant is present in population databases (rs763845791, gnomAD 0.003%). Disruption of this splice site has been observed in individual(s) with clinical features of ASCC1-related conditions (PMID: 28749478, 37644014). ClinVar contains an entry for this variant (Variation ID: 1252053). Algorithms developed to predict the effect of sequence changes on RNA splicing suggest that this variant may disrupt the consensus splice site. In summary, the currently available evidence indicates that the variant is pathogenic, but additional data are needed to prove that conclusively. Therefore, this variant has been classified as Likely Pathogenic.

GeneDx
Classification: Pathogenic. Last evaluated: 2024-05-15. Review status: criteria provided, single submitter. Criteria: GeneDx Variant Classification Process June 2021. Collection method: clinical testing. Allele origin: germline. Affected: yes.
Comment: Canonical splice site variant predicted to result in a null allele in a gene for which loss of function is a known mechanism of disease; Not observed at significant frequency in large population cohorts (gnomAD); This variant is associated with the following publications: (PMID: 32552793, 28749478)

Genomic Medicine Center of Excellence, King Faisal Specialist Hospital and Research Centre
Classification: Pathogenic for Spinal muscular atrophy with congenital bone fractures 2. Last evaluated: 2021-04-29. Review status: no assertion criteria provided. Collection method: research. Allele origin: germline. Affected: yes. Not counted in ClinVar's aggregate classification.

Literature cited by the submitters: PubMed 16199547 (cited by Labcorp Genetics (formerly Invitae), Labcorp); PubMed 30327447 (cited by Labcorp Genetics (formerly Invitae), Labcorp); PubMed 28749478 (cited by Labcorp Genetics (formerly Invitae), Labcorp); PubMed 37644014 (cited by Labcorp Genetics (formerly Invitae), Labcorp).